The following is an entry in ClinVar:

NM_001166114.2(PNPLA6):c.2797C>T (p.Arg933Cys)

Gene: PNPLA6 (patatin like domain 6, lysophospholipase; plus strand). Cytogenetic location: 19p13.2.
Variant type: single nucleotide variant.
Coding change: c.2797C>T on transcript NM_001166114.2 (MANE Select); coding-DNA position 2797, C replaced by T.
Protein change: p.Arg933Cys; replaces arginine 933 with cysteine.
Molecular consequence: missense variant.
Genome position (GRCh38, 1-based): chr19:7,555,055, C>T. VCF-style: chr19-7555055-C-T. GRCh37 (hg19) VCF-style: chr19-7619941-C-T.
Other names: c.2827C>T, p.Arg943Cys (NM_001166111.2); c.2602C>T, p.Arg868Cys (NM_001166112.2); c.2683C>T, p.Arg895Cys (NM_001166113.1, NM_006702.5); short protein forms R895C, R868C, R933C, R943C.
Identifiers: ClinVar variation 2134138 (VCV002134138.4), dbSNP rs1162426854, ClinGen allele CA403130128.

ClinVar aggregate classification (germline): Uncertain significance (1 of 4 stars; one submission).

Conditions:
Hereditary spastic paraplegia 39 (SPG39). Also called: Spastic Paraplegia Type 39 (SPG39); SPASTIC PARAPLEGIA 39, AUTOSOMAL RECESSIVE. Identifiers: Orphanet 139480, MedGen C2677586, MONDO:0012787, OMIM 612020.

Submission:

Labcorp Genetics (formerly Invitae), Labcorp
Classification: Uncertain significance for Hereditary spastic paraplegia 39. Last evaluated: 2022-06-14. Review status: criteria provided, single submitter. Criteria: Invitae Variant Classification Sherloc (09022015). Collection method: clinical testing. Allele origin: germline.
Comment: In summary, the available evidence is currently insufficient to determine the role of this variant in disease. Therefore, it has been classified as a Variant of Uncertain Significance. Algorithms developed to predict the effect of missense changes on protein structure and function are either unavailable or do not agree on the potential impact of this missense change (SIFT: "Deleterious"; PolyPhen-2: "Benign"; Align-GVGD: "Class C0"). This variant has not been reported in the literature in individuals affected with PNPLA6-related conditions. This variant is not present in population databases (gnomAD no frequency). This sequence change replaces arginine, which is basic and polar, with cysteine, which is neutral and slightly polar, at codon 895 of the PNPLA6 protein (p.Arg895Cys).